The following is an entry in ClinVar:

NM_032119.4(ADGRV1):c.4269_4270del (p.Trp1424fs)

Gene: ADGRV1 (adhesion G protein-coupled receptor V1; plus strand). Cytogenetic location: 5q14.3.
Variant type: Deletion.
Coding change: c.4269_4270del on transcript NM_032119.4 (MANE Select); coding-DNA positions 4269 to 4270, 2 bases deleted (TT; older notation c.4269_4270delTT).
Protein change: p.Trp1424fs; shifts the reading frame from tryptophan 1424.
Molecular consequence: frameshift variant. On other transcripts: non-coding transcript variant (1).
Genome position (GRCh38, 1-based): chr5:90,653,843-90,653,844, TT deleted; deleting any 2 consecutive bases within chr5:90,653,842-90,653,844 gives the same sequence; the c. name uses the placement nearest the transcript's 3' end. VCF-style (leftmost placement, unchanged base first): chr5-90653841-GTT-G. GRCh37 (hg19) VCF-style: chr5-89949658-GTT-G.
Other names: short protein forms W1424fs.
Identifiers: ClinVar variation 2770436 (VCV002770436.3), dbSNP rs2532092912, ClinGen allele CA2697546298.

ClinVar aggregate classification (germline): Pathogenic (1 of 4 stars; one submission).

Submission:

Labcorp Genetics (formerly Invitae), Labcorp
Classification: Pathogenic. Last evaluated: 2023-10-22. Review status: criteria provided, single submitter. Criteria: Invitae Variant Classification Sherloc (09022015). Collection method: clinical testing. Allele origin: germline.
Comment: This sequence change creates a premature translational stop signal (p.Trp1424Alafs*35) in the ADGRV1 gene. It is expected to result in an absent or disrupted protein product. Loss-of-function variants in ADGRV1 are known to be pathogenic (PMID: 19357117, 22135276, 22147658, 26226137, 30718709, 31047384, 32467589). This variant is not present in population databases (gnomAD no frequency). This variant has not been reported in the literature in individuals affected with ADGRV1-related conditions. For these reasons, this variant has been classified as Pathogenic.

Literature cited by the submitters: PubMed 19357117; PubMed 22135276; PubMed 22147658; PubMed 26226137; PubMed 30718709; PubMed 31047384; PubMed 32467589.